The following is an entry in ClinVar:

ClinVar aggregate classification (germline): Uncertain significance. Review status: criteria provided, multiple submitters, no conflicts (2 of 4 stars). 2 submissions from 2 submitters: Uncertain significance (2). Last evaluated 2025-05-29.

Allele frequency attached by ClinVar (database versions not stated): gnomAD exomes below 0.00001.
gnomAD v4.1: 1 of 1,614,090 alleles (0.000062%); highest among the groups gnomAD compares: South Asian, 0.0011%; no homozygotes.

Submissions (2):

Women's Health and Genetics/Laboratory Corporation of America, LabCorp
Classification: Uncertain significance. Last evaluated: 2025-05-29. Review status: criteria provided, single submitter. Criteria: LabCorp Variant Classification Summary - May 2015. Collection method: clinical testing. Allele origin: germline.
Comment: Variant summary: MMUT c.1891G>A (p.Ala631Thr) results in a non-conservative amino acid change in the encoded protein sequence. Algorithms developed to predict the effect of missense changes on protein structure and function all suggest that this variant is likely to be disruptive. The variant was absent in 251326 control chromosomes (gnomAD). The available data on variant occurrences in the general population are insufficient to allow any conclusion about variant significance. c.1891G>A has been observed in an individual affected with Methylmalonic Acidemia (Kumari_2017). These data do not allow any conclusion about variant significance. To our knowledge, no experimental evidence demonstrating an impact on protein function has been reported. The following publication has been ascertained in the context of this evaluation (PMID: 28811685). ClinVar contains an entry for this variant (Variation ID: 2136403). Based on the evidence outlined above, the variant was classified as uncertain significance.

Labcorp Genetics (formerly Invitae), Labcorp
Classification: Uncertain significance. Last evaluated: 2022-11-01. Review status: criteria provided, single submitter. Criteria: Invitae Variant Classification Sherloc (09022015). Collection method: clinical testing. Allele origin: germline.
Comment: In summary, the available evidence is currently insufficient to determine the role of this variant in disease. Therefore, it has been classified as a Variant of Uncertain Significance. Advanced modeling of protein sequence and biophysical properties (such as structural, functional, and spatial information, amino acid conservation, physicochemical variation, residue mobility, and thermodynamic stability) performed at Invitae indicates that this missense variant is expected to disrupt MUT protein function. This missense change has been observed in individual(s) with clinical features of methlmalonic acidemia (PMID: 28811685). This variant is not present in population databases (gnomAD no frequency). This sequence change replaces alanine, which is neutral and non-polar, with threonine, which is neutral and polar, at codon 631 of the MUT protein (p.Ala631Thr).

Literature cited by the submitters: PubMed 28811685 (cited by Women's Health and Genetics/Laboratory Corporation of America, LabCorp and Labcorp Genetics (formerly Invitae), Labcorp).

NM_000255.4(MMUT):c.1891G>A (p.Ala631Thr)

Gene: MMUT (methylmalonyl-CoA mutase; minus strand). Cytogenetic location: 6p12.3.
Variant type: single nucleotide variant.
Coding change: c.1891G>A on transcript NM_000255.4 (MANE Select); coding-DNA position 1891, G replaced by A.
Protein change: p.Ala631Thr; replaces alanine 631 with threonine.
Molecular consequence: missense variant.
Genome position (GRCh38, 1-based): chr6:49,440,271, C>T on the plus strand (G>A on the coding strand, the complement: MMUT is on the minus strand). VCF-style: chr6-49440271-C-T. GRCh37 (hg19) VCF-style: chr6-49407984-C-T.
Other names: short protein forms A631T.
Identifiers: ClinVar variation 2136403 (VCV002136403.5), dbSNP rs2481310732, ClinGen allele CA364395120.